The following is an entry in ClinVar:

ClinVar aggregate classification (germline): Uncertain significance (1 of 4 stars; one submission).

Submission:

GeneDx
Classification: Uncertain significance. Last evaluated: 2019-12-24. Review status: criteria provided, single submitter. Criteria: GeneDx Variant Classification Process June 2021. Collection method: clinical testing. Allele origin: germline. Affected: yes.
Comment: Not observed in large population cohorts (Lek et al., 2016); In silico analysis, which includes protein predictors and evolutionary conservation, supports a deleterious effect; Has not been previously published as pathogenic or benign to our knowledge

NM_001792.5(CDH2):c.331A>T (p.Thr111Ser)

Gene: CDH2 (cadherin 2; minus strand). Cytogenetic location: 18q12.1.
Variant type: single nucleotide variant.
Coding change: c.331A>T on transcript NM_001792.5 (MANE Select); coding-DNA position 331, A replaced by T.
Protein change: p.Thr111Ser; replaces threonine 111 with serine.
Molecular consequence: missense variant.
Genome position (GRCh38, 1-based): chr18:28,013,751, T>A on the plus strand (A>T on the coding strand, the complement: CDH2 is on the minus strand). VCF-style: chr18-28013751-T-A. GRCh37 (hg19) VCF-style: chr18-25593715-T-A.
Other names: c.238A>T, p.Thr80Ser (NM_001308176.2); short protein forms T111S, T80S.
Identifiers: ClinVar variation 1316053 (VCV001316053.2), dbSNP rs2144038076, ClinGen allele CA402244226.